The following is an entry in ClinVar:

NM_172003.3(ZNG1B):c.318T>G (p.Gly106=)

Gene: ZNG1B (Zn regulated GTPase metalloprotein activator 1B; plus strand). Cytogenetic location: 2q14.1.
Variant type: single nucleotide variant.
Coding change: c.318T>G on transcript NM_172003.3 (MANE Select); coding-DNA position 318, T replaced by G.
Protein change: p.Gly106=; no amino-acid change (glycine 106 retained).
Molecular consequence: synonymous variant. On other transcripts: 5 prime UTR variant (2), non-coding transcript variant (2).
Genome position (GRCh38, 1-based): chr2:113,443,843, T>G. VCF-style: chr2-113443843-T-G. GRCh37 (hg19) VCF-style: chr2-114201420-T-G.
Other names: c.318T>G, p.Gly106= (NM_001330336.1, NM_001330337.1); c.210T>G, p.Gly70= (NM_001330339.1); c.-332T>G (NM_001330340.1, NM_001330342.1).
Identifiers: ClinVar variation 2651289 (VCV002651289.24), dbSNP rs1573680795, ClinGen allele CA428322896.

ClinVar aggregate classification (germline): Likely benign (1 of 4 stars; one submission).

Submission:

CeGaT Center for Human Genetics Tuebingen
Classification: Likely benign. Last evaluated: 2022-11-01. Review status: criteria provided, single submitter. Criteria: CeGaT Center For Human Genetics Tuebingen Variant Classification Criteria Version 2. Collection method: clinical testing. Allele origin: germline. Affected: yes. Observed: 2 variant alleles.
Comment: ZNG1B: PM2:Supporting, BP4, BP7